The following is an entry in ClinVar:

NM_002335.4(LRP5):c.4328C>A (p.Ser1443Tyr)

Gene: LRP5 (LDL receptor related protein 5; plus strand). Cytogenetic location: 11q13.2.
Variant type: single nucleotide variant.
Coding change: c.4328C>A on transcript NM_002335.4 (MANE Select); coding-DNA position 4328, C replaced by A.
Protein change: p.Ser1443Tyr; replaces serine 1443 with tyrosine.
Molecular consequence: missense variant.
Genome position (GRCh38, 1-based): chr11:68,438,662, C>A. VCF-style: chr11-68438662-C-A. GRCh37 (hg19) VCF-style: chr11-68206130-C-A.
Other names: c.2585C>A, p.Ser862Tyr (NM_001291902.2); short protein forms S1443Y, S862Y.
Identifiers: ClinVar variation 931357 (VCV000931357.3), dbSNP rs926919882, ClinGen allele CA224254814.

ClinVar aggregate classification (germline): Uncertain significance (1 of 4 stars; one submission).

Conditions:
Exudative vitreoretinopathy 4 (EVR4). Identifiers: Orphanet 891, MedGen C1866176, MONDO:0011151, OMIM 601813.

Submission:

Centre for Mendelian Genomics, University Medical Centre Ljubljana
Classification: Uncertain significance for Exudative vitreoretinopathy 4. Last evaluated: 2018-10-30. Review status: criteria provided, single submitter. Criteria: ACMG Guidelines, 2015. Collection method: clinical testing. Allele origin: unknown. Affected: yes.
Comment: This variant was classified as: Uncertain significance. The available evidence on this variant's pathogenicity is insufficient or conflicting. The following ACMG criteria were applied in classifying this variant: PM2,PP2,PP3.